The following is an entry in ClinVar:

NM_016284.5(CNOT1):c.3528C>T (p.Leu1176=)

Gene: CNOT1 (CCR4-NOT transcription complex subunit 1; minus strand). Cytogenetic location: 16q21.
Variant type: single nucleotide variant.
Coding change: c.3528C>T on transcript NM_016284.5 (MANE Select); coding-DNA position 3528, C replaced by T.
Protein change: p.Leu1176=; no amino-acid change (leucine 1176 retained).
Molecular consequence: synonymous variant. On other transcripts: non-coding transcript variant (1).
Genome position (GRCh38, 1-based): chr16:58,547,677, G>A on the plus strand (C>T on the coding strand, the complement: CNOT1 is on the minus strand). VCF-style: chr16-58547677-G-A. GRCh37 (hg19) VCF-style: chr16-58581581-G-A.
Other names: c.3513C>T, p.Leu1171= (NM_001265612.2); c.3528C>T, p.Leu1176= (NM_206999.3).
Identifiers: ClinVar variation 3341532 (VCV003341532.16).

ClinVar aggregate classification (germline): Likely benign (1 of 4 stars; one submission).

gnomAD v4.1: 4 of 1,612,860 alleles (0.00025%); highest among the groups gnomAD compares: Non-Finnish European, 0.00034%; no homozygotes.

Submission:

CeGaT Center for Human Genetics Tuebingen
Classification: Likely benign. Last evaluated: 2024-08-01. Review status: criteria provided, single submitter. Criteria: CeGaT Center For Human Genetics Tuebingen Variant Classification Criteria Version 2. Collection method: clinical testing. Allele origin: germline. Affected: yes. Observed: 1 variant allele.
Comment: CNOT1: BP4, BP7